The following is an entry in ClinVar:

NM_020433.5(JPH2):c.1780_1839del (p.Ser594_Glu613del)

Gene: JPH2 (junctophilin 2; minus strand). Cytogenetic location: 20q13.12.
Variant type: Deletion.
Coding change: c.1780_1839del on transcript NM_020433.5 (MANE Select); coding-DNA positions 1780 to 1839, 60 bases deleted.
Protein change: p.Ser594_Glu613del.
Molecular consequence: inframe deletion. On other transcripts: inframe indel (1).
Genome position (GRCh38, 1-based): chr20:44,115,836-44,115,895, 60 bases deleted. GRCh37 (hg19): chr20:42,744,481-42,744,540.
Other names: c.1780_1839del60 (NM_020433.4).
Identifiers: ClinVar variation 3862298 (VCV003862298.1).

ClinVar aggregate classification (germline): Uncertain significance (1 of 4 stars; one submission).

Conditions:
Cardiovascular phenotype. Identifiers: MedGen CN230736.

Submission:

Ambry Genetics
Classification: Uncertain significance for Cardiovascular phenotype. Last evaluated: 2025-02-21. Review status: criteria provided, single submitter. Criteria: Ambry Variant Classification Scheme 2023. Collection method: clinical testing. Allele origin: germline.
Comment: The c.1780_1839del60 variant (also known as p.S594_E613del) is located in coding exon 4 of the JPH2 gene. This variant results from an in-frame TCCGCGCCCTCGTCCCCGGCCACCGCCCCGCTGCAGGCCCCCACGCTCCGAGGCCCCGAG deletion at nucleotide positions 1780 to 1839. This results in the in-frame deletion of the amino acids between codons 594 to 613. This amino acid region is not well conserved in available vertebrate species. In addition, this alteration is predicted to be deleterious by in silico analysis (Choi Y et al. PLoS ONE. 2012; 7(10):e46688). Based on the available evidence, the clinical significance of this variant remains unclear.